The following is an entry in ClinVar:

ClinVar aggregate classification (germline): Uncertain significance (1 of 4 stars; one submission).

Conditions:
Immunodeficiency 51 (IMD51). Also called: CANDIDIASIS, FAMILIAL, 5. Identifiers: Orphanet 1334, MedGen C4310803, MONDO:0013500, OMIM 613953.

Submission:

Labcorp Genetics (formerly Invitae), Labcorp
Classification: Uncertain significance for Immunodeficiency 51. Last evaluated: 2022-10-28. Review status: criteria provided, single submitter. Criteria: Invitae Variant Classification Sherloc (09022015). Collection method: clinical testing. Allele origin: germline.
Comment: In summary, the available evidence is currently insufficient to determine the role of this variant in disease. Therefore, it has been classified as a Variant of Uncertain Significance. Experimental studies and prediction algorithms are not available or were not evaluated, and the functional significance of this variant is currently unknown. ClinVar contains an entry for this variant (Variation ID: 1006539). This variant has not been reported in the literature in individuals affected with IL17RA-related conditions. Information on the frequency of this variant in the gnomAD database is not available, as this variant may be reported differently in the database. This variant, c.996_997delinsCT, is a complex sequence change that results in the deletion of valine and insertion of leucine amino acid(s) in the IL17RA protein (p.Val333Leu).

NM_014339.7(IL17RA):c.996_997delinsCT (p.Val333Leu)

Genes: IL17RA (interleukin 17 receptor A; plus strand), LOC129391259 (MPRA-validated peak4440 silencer; plus strand). Cytogenetic location: 22q11.1.
Variant type: Indel.
Coding change: c.996_997delinsCT on transcript NM_014339.7 (MANE Select); coding-DNA positions 996 to 997, GG replaced by CT.
Protein change: p.Val333Leu; replaces valine 333 with leucine.
Molecular consequence: missense variant. On other transcripts: intron variant (1).
Genome position (GRCh38, 1-based): chr22:17,105,905-17,105,906, GG replaced by CT. VCF-style: chr22-17105905-GG-CT. GRCh37 (hg19) VCF-style: chr22-17586795-GG-CT.
Other names: c.943+303_943+304delinsCT (NM_001289905.2); short protein forms V333L.
Identifiers: ClinVar variation 1006539 (VCV001006539.9), dbSNP rs2061413124, ClinGen allele CA2394927405.